The following is an entry in ClinVar:

ClinVar aggregate classification (germline): Uncertain significance (1 of 4 stars; one submission).

gnomAD v4.1: 11 of 1,512,362 alleles (0.00073%); highest among the groups gnomAD compares: Non-Finnish European, 0.00097%; no homozygotes.

Submission:

Labcorp Genetics (formerly Invitae), Labcorp
Classification: Uncertain significance. Last evaluated: 2024-08-04. Review status: criteria provided, single submitter. Criteria: Invitae Variant Classification Sherloc (09022015). Collection method: clinical testing. Allele origin: germline.
Comment: This sequence change replaces proline, which is neutral and non-polar, with alanine, which is neutral and non-polar, at codon 1449 of the DCHS1 protein (p.Pro1449Ala). This variant is present in population databases (no rsID available, gnomAD 0.002%). This variant has not been reported in the literature in individuals affected with DCHS1-related conditions. Advanced modeling of protein sequence and biophysical properties (such as structural, functional, and spatial information, amino acid conservation, physicochemical variation, residue mobility, and thermodynamic stability) performed at Invitae indicates that this missense variant is not expected to disrupt DCHS1 protein function with a negative predictive value of 80%. In summary, the available evidence is currently insufficient to determine the role of this variant in disease. Therefore, it has been classified as a Variant of Uncertain Significance.

NM_003737.4(DCHS1):c.4345C>G (p.Pro1449Ala)

Gene: DCHS1 (dachsous cadherin-related 1; minus strand). Cytogenetic location: 11p15.4.
Variant type: single nucleotide variant.
Coding change: c.4345C>G on transcript NM_003737.4 (MANE Select); coding-DNA position 4345, C replaced by G.
Protein change: p.Pro1449Ala; replaces proline 1449 with alanine.
Molecular consequence: missense variant.
Genome position (GRCh38, 1-based): chr11:6,630,449, G>C on the plus strand (C>G on the coding strand, the complement: DCHS1 is on the minus strand). VCF-style: chr11-6630449-G-C. GRCh37 (hg19) VCF-style: chr11-6651680-G-C.
Other names: short protein forms P1449A.
Identifiers: ClinVar variation 3626915 (VCV003626915.2).